The following is an entry in ClinVar:

ClinVar aggregate classification (germline): Pathogenic. Review status: criteria provided, multiple submitters, no conflicts (2 of 4 stars). 5 submissions from 5 submitters: Pathogenic (4). 1 of the submissions does not count toward it. Last evaluated 2025-12-01.

Conditions:
Primary hyperoxaluria, type I (HP1). Also called: GLYCOLIC ACIDURIA; HEPATIC AGT DEFICIENCY; OXALOSIS I; Primary hyperoxaluria type 1. Identifiers: Orphanet 416, Orphanet 93598, MedGen C0268164, MONDO:0009823, OMIM 259900. Disease mechanism: loss of function.

Allele frequency attached by ClinVar (database versions not stated): gnomAD 0.00001; ESP Exome Variant Server 0.00008; TOPMed 0.00001; ExAC 0.00001; gnomAD exomes 0.00001.
gnomAD v4.1: 11 of 1,613,548 alleles (0.00068%); highest among the groups gnomAD compares: Middle Eastern, 0.016%; no homozygotes.

Submissions (5):

Natera, Inc.
Classification: Pathogenic for Primary hyperoxaluria type I. Last evaluated: 2025-12-01. Review status: criteria provided, single submitter. Criteria: Natera Variant Classification Schema (03/2026). Collection method: clinical testing. Allele origin: germline.
Comment: The c.603C>A variant in AGXT is a missense variant predicted to cause substitution of aspartic acid to glutamic acid at amino acid 201. This variant is rare in the general population with a frequency below the threshold expected for the associated phenotype(s). This variant has been observed in one or more individuals affected with the associated recessive disease, as either homozygous or compound heterozygous with a second variant (PMID: 22781098, 34082749, 31078535, 17460142). Given the available evidence, this variant is classified as Pathogenic.

Labcorp Genetics (formerly Invitae), Labcorp
Classification: Pathogenic. Last evaluated: 2024-10-10. Review status: criteria provided, single submitter. Criteria: Invitae Variant Classification Sherloc (09022015). Collection method: clinical testing. Allele origin: germline.
Comment: This sequence change replaces aspartic acid, which is acidic and polar, with glutamic acid, which is acidic and polar, at codon 201 of the AGXT protein (p.Asp201Glu). This variant is present in population databases (rs180177246, gnomAD 0.003%). This missense change has been observed in individual(s) with hyperoxaluria (PMID: 15849466, 17460142, 22781098, 25629080). ClinVar contains an entry for this variant (Variation ID: 204115). Invitae Evidence Modeling of protein sequence and biophysical properties (such as structural, functional, and spatial information, amino acid conservation, physicochemical variation, residue mobility, and thermodynamic stability) indicates that this missense variant is expected to disrupt AGXT protein function with a positive predictive value of 80%. Experimental studies have shown that this missense change affects AGXT function (PMID: 24718375). For these reasons, this variant has been classified as Pathogenic.

Fulgent Genetics
Classification: Pathogenic for Primary hyperoxaluria, type I. Last evaluated: 2024-04-19. Review status: criteria provided, single submitter. Criteria: ACMG Guidelines, 2015. Collection method: clinical testing. Allele origin: germline.

Baylor Genetics
Classification: Pathogenic for Primary hyperoxaluria, type I. Last evaluated: 2024-02-17. Review status: criteria provided, single submitter. Criteria: ACMG Guidelines, 2015. Collection method: clinical testing. Allele origin: unknown.

Clinical Biochemistry Laboratory, Health Services Laboratory
Classification: Pathogenic for Primary hyperoxaluria, type I. Last evaluated: 2014-11-27. Review status: no assertion criteria provided. Collection method: in vitro. Allele origin: germline. Affected: yes. Not counted in ClinVar's aggregate classification.

Literature cited by the submitters: PubMed 22781098 (cited by Natera, Inc. and Labcorp Genetics (formerly Invitae), Labcorp); PubMed 34082749 (cited by Natera, Inc.); PubMed 31078535 (cited by Natera, Inc.); PubMed 17460142 (cited by Natera, Inc. and Labcorp Genetics (formerly Invitae), Labcorp); PubMed 15849466 (cited by Labcorp Genetics (formerly Invitae), Labcorp and Clinical Biochemistry Laboratory, Health Services Laboratory); PubMed 25629080 (cited by Labcorp Genetics (formerly Invitae), Labcorp); PubMed 24718375 (cited by Labcorp Genetics (formerly Invitae), Labcorp and Clinical Biochemistry Laboratory, Health Services Laboratory).

NM_000030.3(AGXT):c.603C>A (p.Asp201Glu)

Gene: AGXT (alanine--glyoxylate aminotransferase; plus strand). Cytogenetic location: 2q37.3.
Variant type: single nucleotide variant.
Coding change: c.603C>A on transcript NM_000030.3 (MANE Select); coding-DNA position 603, C replaced by A.
Protein change: p.Asp201Glu; replaces aspartic acid 201 with glutamic acid.
Molecular consequence: missense variant.
Genome position (GRCh38, 1-based): chr2:240,873,985, C>A. VCF-style: chr2-240873985-C-A. GRCh37 (hg19) VCF-style: chr2-241813402-C-A.
Other names: short protein forms D201E.
Identifiers: ClinVar variation 204115 (VCV000204115.26), dbSNP rs180177246, ClinGen allele CA275715.